The following is an entry in ClinVar:

ClinVar aggregate classification (germline): Uncertain significance (1 of 4 stars; one submission).

Allele frequency attached by ClinVar (database versions not stated): ExAC 0.00001; gnomAD exomes 0.00001; gnomAD 0.00006; TOPMed 0.00006; ESP Exome Variant Server 0.00008.

Submission:

Labcorp Genetics (formerly Invitae), Labcorp
Classification: Uncertain significance. Last evaluated: 2022-03-14. Review status: criteria provided, single submitter. Criteria: Invitae Variant Classification Sherloc (09022015). Collection method: clinical testing. Allele origin: germline.
Comment: This variant has not been reported in the literature in individuals affected with TUBA8-related conditions. This variant is present in population databases (rs141257187, gnomAD 0.02%). This sequence change replaces phenylalanine, which is neutral and non-polar, with serine, which is neutral and polar, at codon 296 of the TUBA8 protein (p.Phe296Ser). Algorithms developed to predict the effect of missense changes on protein structure and function (SIFT, PolyPhen-2, Align-GVGD) all suggest that this variant is likely to be disruptive. In summary, the available evidence is currently insufficient to determine the role of this variant in disease. Therefore, it has been classified as a Variant of Uncertain Significance.

NM_018943.3(TUBA8):c.887T>C (p.Phe296Ser)

Gene: TUBA8 (tubulin alpha 8; plus strand). Cytogenetic location: 22q11.21.
Variant type: single nucleotide variant.
Coding change: c.887T>C on transcript NM_018943.3 (MANE Select); coding-DNA position 887, T replaced by C.
Protein change: p.Phe296Ser; replaces phenylalanine 296 with serine.
Molecular consequence: missense variant.
Genome position (GRCh38, 1-based): chr22:18,126,865, T>C. VCF-style: chr22-18126865-T-C. GRCh37 (hg19) VCF-style: chr22-18609632-T-C.
Other names: c.689T>C, p.Phe230Ser (NM_001193414.2); short protein forms F296S, F230S.
Identifiers: ClinVar variation 1374320 (VCV001374320.8), dbSNP rs141257187, ClinGen allele CA10093778.